The following is an entry in ClinVar:

NM_000138.5(FBN1):c.510C>G (p.Tyr170Ter)

Gene: FBN1 (fibrillin 1; minus strand). Cytogenetic location: 15q21.1.
Variant type: single nucleotide variant.
Coding change: c.510C>G on transcript NM_000138.5 (MANE Select); coding-DNA position 510, C replaced by G.
Protein change: p.Tyr170Ter; replaces tyrosine 170 with a stop codon.
Molecular consequence: nonsense.
Genome position (GRCh38, 1-based): chr15:48,596,311, G>C on the plus strand (C>G on the coding strand, the complement: FBN1 is on the minus strand). VCF-style: chr15-48596311-G-C. GRCh37 (hg19) VCF-style: chr15-48888508-G-C.
Other names: short protein forms Y170*.
Identifiers: ClinVar variation 36085 (VCV000036085.17), dbSNP rs111671429, ClinGen allele CA015657.

ClinVar aggregate classification (germline): Pathogenic/Likely pathogenic. Review status: criteria provided, multiple submitters, no conflicts (2 of 4 stars). 6 submissions from 6 submitters: Pathogenic (4); Likely pathogenic (1). 1 of the submissions does not count toward it. Last evaluated 2022-11-03.

Conditions:
Familial thoracic aortic aneurysm and aortic dissection (TAAD). Also called: Thoracic aortic aneurysms and dissections. Identifiers: Orphanet 91387, MedGen C4707243, MONDO:0019625.
Marfan syndrome (MFS). Also called: FBN1-Related Marfan Syndrome; Marfan syndrome type 1; Marfan's syndrome; Marfan syndrome, classic; MARFAN SYNDROME, TYPE I. Identifiers: Orphanet 284963, Orphanet 558, MedGen C0024796, MONDO:0007947, OMIM 154700.

Submissions (6):

Dasa
Classification: Pathogenic for Marfan syndrome. Last evaluated: 2022-11-03. Review status: criteria provided, single submitter. Criteria: ACMG Guidelines, 2015. Collection method: clinical testing. Allele origin: germline. Affected: yes. Observed: 1 variant allele.
Comment: The c.510C>G;p.(Tyr170*) variant creates a premature translational stop signal in the FBN1 gene. It is expected to result in an absent or disrupted protein product - PVS1. This sequence change has been observed in affected individual(s) and ClinVar contains an entry for this variant (Clinvar ID:36085; PMID: 14695540; 21360310; 16342915; 31730815) - PS4. This variant is not present in population databases (rs111671429, gnomAD; ABraOM no frequency) - PM2. In summary, the currently available evidence indicates that the variant is pathogenic.

Labcorp Genetics (formerly Invitae), Labcorp
Classification: Pathogenic for Marfan syndrome; Familial thoracic aortic aneurysm and aortic dissection. Last evaluated: 2022-07-12. Review status: criteria provided, single submitter. Criteria: Invitae Variant Classification Sherloc (09022015). Collection method: clinical testing. Allele origin: germline.
Comment: For these reasons, this variant has been classified as Pathogenic. Algorithms developed to predict the effect of sequence changes on RNA splicing suggest that this variant may create or strengthen a splice site. ClinVar contains an entry for this variant (Variation ID: 36085). This premature translational stop signal has been observed in individuals with Marfan syndrome or thoracic aortic aneurysm and dissection (PMID: 14695540, 21360310). This variant is not present in population databases (gnomAD no frequency). This sequence change creates a premature translational stop signal (p.Tyr170*) in the FBN1 gene. It is expected to result in an absent or disrupted protein product. Loss-of-function variants in FBN1 are known to be pathogenic (PMID: 17657824, 19293843).

Clinical Genetics and Genomics, Karolinska University Hospital
Classification: Pathogenic. Last evaluated: 2017-08-14. Review status: criteria provided, single submitter. Criteria: ACMG Guidelines, 2015. Collection method: clinical testing. Allele origin: germline. Affected: yes. Observed: 2 variant alleles.

GeneDx
Classification: Pathogenic. Last evaluated: 2015-09-09. Review status: criteria provided, single submitter. Criteria: GeneDx Variant Classification (06012015). Collection method: clinical testing. Allele origin: germline. Affected: yes.
Comment: The Y170X nonsense variant has been reported in one individual with skeletal findings associated with Marfan syndrome, a dilated aorta, mitral valve prolapse, and lumbosacral dural ectasia (Biggin et al., 2004). Y170X is predicted to cause loss of normal protein function either by protein truncation or nonsense-mediated mRNA decay. Other nonsense variants in the FBN1 gene have been reported in HGMD in association with Marfan syndrome (Stenson et al., 2014). Furthermore, the Y170X variant was not observed in approximately 6500 individuals of European and African American ancestry in the NHLBI Exome Sequencing Project, indicating it is not a common benign variant in these populations. In summary, Y170X in the FBN1 gene is interpreted as a pathogenic variant.

Women's Health and Genetics/Laboratory Corporation of America, LabCorp
Classification: Likely pathogenic for Marfan Syndrome. Last evaluated: 2011-08-18. Review status: criteria provided, single submitter. Criteria: LabCorp Variant Classification Summary - May 2015. Collection method: curation, clinical testing. Allele origin: germline. Inheritance: autosomal dominant. Affected: yes. Observed: 2 variant alleles.
ClinVar note: Converted during submission from likely pathogenic to Likely pathogenic.

Center for Medical Genetics Ghent, University of Ghent
Classification: Likely pathogenic for Marfan syndrome. Last evaluated: 2017-11-07. Review status: no assertion criteria provided. Collection method: clinical testing. Allele origin: germline. Affected: yes. Not counted in ClinVar's aggregate classification.

Literature cited by the submitters: PubMed 14695540 (cited by 3 submitters); PubMed 21360310 (cited by Dasa and Labcorp Genetics (formerly Invitae), Labcorp); PubMed 16342915 (cited by Dasa and Women's Health and Genetics/Laboratory Corporation of America, LabCorp); PubMed 31730815 (cited by Dasa); PubMed 17657824 (cited by Labcorp Genetics (formerly Invitae), Labcorp); PubMed 19293843 (cited by Labcorp Genetics (formerly Invitae), Labcorp).